The following is an entry in ClinVar:

NM_001009944.3(PKD1):c.6529G>A (p.Asp2177Asn)

Gene: PKD1 (polycystin 1, transient receptor potential channel interacting; minus strand). Cytogenetic location: 16p13.3.
Variant type: single nucleotide variant.
Coding change: c.6529G>A on transcript NM_001009944.3 (MANE Select); coding-DNA position 6529, G replaced by A.
Protein change: p.Asp2177Asn; replaces aspartic acid 2177 with asparagine.
Molecular consequence: missense variant.
Genome position (GRCh38, 1-based): chr16:2,108,638, C>T on the plus strand (G>A on the coding strand, the complement: PKD1 is on the minus strand). VCF-style: chr16-2108638-C-T. GRCh37 (hg19) VCF-style: chr16-2158639-C-T.
Other names: c.6529G>A, p.Asp2177Asn (NM_000296.4); short protein forms D2177N.
Identifiers: ClinVar variation 1315134 (VCV001315134.2), dbSNP rs747794812, ClinGen allele CA7831570.
Genomic context (GRCh38, chr16:2,108,638, plus strand): 5'-GCTGGCAGCTGGCGGTGCGATACACCTCCCAGCGGTACTCAGTCTGGTAGGTGACGCAGT[C>T]GCGCAGGTCAACGTGGGCCTCCAAGTAGTTGCGCTGTGATCGCCGCATCAGCACCTGCAG-3'
Protein context (NP_001009944.3, residues 2167-2187): NYLEAHVDLR[Asp2177Asn]CVTYQTEYRW

ClinVar aggregate classification (germline): Uncertain significance (1 of 4 stars; one submission).

Allele frequency attached by ClinVar (database versions not stated): gnomAD exomes 0.00002; ExAC 0.00004.
gnomAD v4.1: 18 of 1,561,174 alleles (0.0012%); highest among the groups gnomAD compares: South Asian, 0.011%; no homozygotes.

Submission:

GeneDx
Classification: Uncertain significance. Last evaluated: 2020-02-06. Review status: criteria provided, single submitter. Criteria: GeneDx Variant Classification Process June 2021. Collection method: clinical testing. Allele origin: germline. Affected: yes.
Comment: In silico analysis supports that this missense variant does not alter protein structure/function; Has not been previously published as pathogenic or benign to our knowledge